The following is an entry in ClinVar:

NM_173598.6(KSR2):c.1241G>A (p.Arg414Lys)

Gene: KSR2 (kinase suppressor of ras 2; minus strand). Cytogenetic location: 12q24.22.
Variant type: single nucleotide variant.
Coding change: c.1241G>A on transcript NM_173598.6 (MANE Select); coding-DNA position 1241, G replaced by A.
Protein change: p.Arg414Lys; replaces arginine 414 with lysine.
Molecular consequence: missense variant.
Genome position (GRCh38, 1-based): chr12:117,582,290, C>T on the plus strand (G>A on the coding strand, the complement: KSR2 is on the minus strand). VCF-style: chr12-117582290-C-T. GRCh37 (hg19) VCF-style: chr12-118020095-C-T.
Other names: short protein forms R414K.
Identifiers: ClinVar variation 4996611 (VCV004996611.1).

ClinVar aggregate classification (germline): Uncertain significance (1 of 4 stars; one submission).

Conditions:
KSR2-related disorder. Also called: KSR2-related condition.

Submission:

PreventionGenetics, part of Exact Sciences
Classification: Uncertain significance for KSR2-related condition. Last evaluated: 2026-07-01. Review status: criteria provided, single submitter. Criteria: ACMG Guidelines, 2015. Collection method: clinical testing. Allele origin: germline.
Comment: The KSR2 c.1154G>A variant is predicted to result in the amino acid substitution p.Arg385Lys. To our knowledge, this variant has not been reported in the literature or in a large population database (gnomAD), indicating this variant is rare. At this time, the clinical significance of this variant is uncertain due to the absence of conclusive functional and genetic evidence.